The following is an entry in ClinVar:

ClinVar aggregate classification (germline): Uncertain significance (1 of 4 stars; one submission).

Conditions:
T-cell immunodeficiency with epidermodysplasia verruciformis. Identifiers: Orphanet 324294, MedGen C4749500, MONDO:0017925.

Allele frequency attached by ClinVar (database versions not stated): TOPMed below 0.00001.
gnomAD v4.1: 12 of 1,614,186 alleles (0.00074%); highest among the groups gnomAD compares: Non-Finnish European, 0.00093%; no homozygotes.

Submission:

Labcorp Genetics (formerly Invitae), Labcorp
Classification: Uncertain significance for T-cell immunodeficiency with epidermodysplasia verruciformis. Last evaluated: 2024-04-10. Review status: criteria provided, single submitter. Criteria: Invitae Variant Classification Sherloc (09022015). Collection method: clinical testing. Allele origin: germline.
Comment: This sequence change replaces asparagine, which is neutral and polar, with serine, which is neutral and polar, at codon 172 of the RHOH protein (p.Asn172Ser). This variant is not present in population databases (gnomAD no frequency). This variant has not been reported in the literature in individuals affected with RHOH-related conditions. An algorithm developed to predict the effect of missense changes on protein structure and function (PolyPhen-2) suggests that this variant is likely to be disruptive. In summary, the available evidence is currently insufficient to determine the role of this variant in disease. Therefore, it has been classified as a Variant of Uncertain Significance.

NM_004310.5(RHOH):c.515A>G (p.Asn172Ser)

Gene: RHOH (ras homolog family member H; plus strand). Cytogenetic location: 4p14.
Variant type: single nucleotide variant.
Coding change: c.515A>G on transcript NM_004310.5 (MANE Select); coding-DNA position 515, A replaced by G.
Protein change: p.Asn172Ser; replaces asparagine 172 with serine.
Molecular consequence: missense variant.
Genome position (GRCh38, 1-based): chr4:40,243,901, A>G. VCF-style: chr4-40243901-A-G. GRCh37 (hg19) VCF-style: chr4-40245521-A-G.
Other names: c.515A>G, p.Asn172Ser (NM_001278359.2, NM_001278360.2, NM_001278361.2 and 8 more transcripts); short protein forms N172S.
Identifiers: ClinVar variation 2870791 (VCV002870791.3), dbSNP rs1729572776, ClinGen allele CA356782775.